The following is an entry in ClinVar:

NM_001351132.2(PEX5):c.381T>C (p.Asp127=)

Gene: PEX5 (peroxisomal biogenesis factor 5; plus strand). Cytogenetic location: 12p13.31.
Variant type: single nucleotide variant.
Coding change: c.381T>C on transcript NM_001351132.2 (MANE Select); coding-DNA position 381, T replaced by C.
Protein change: p.Asp127=; no amino-acid change (aspartic acid 127 retained).
Molecular consequence: synonymous variant.
Genome position (GRCh38, 1-based): chr12:7,191,633, T>C. VCF-style: chr12-7191633-T-C. GRCh37 (hg19) VCF-style: chr12-7344229-T-C.
Other names: c.381T>C, p.Asp127= (NM_000319.5, NM_001131024.2, NM_001131025.2 and 19 more transcripts); c.426T>C, p.Asp142= (NM_001131023.2, NM_001351135.3, NM_001351138.2); c.381T>C (NM_001131025.1).
Identifiers: ClinVar variation 1619614 (VCV001619614.11), dbSNP rs201467035, ClinGen allele CA6426122.

ClinVar aggregate classification (germline): Benign/Likely benign. Review status: criteria provided, multiple submitters, no conflicts (2 of 4 stars). 3 submissions from 3 submitters: Benign (1); Likely benign (1). 1 of the submissions does not count toward it. Last evaluated 2025-11-01.

Conditions:
Peroxisome biogenesis disorder 2B (PBD2B). Identifiers: Orphanet 44, MedGen C3550234, MONDO:0008736, OMIM 202370.
PEX5-related disorder. Also called: PEX5-related condition; PEX5-Related Disorders.

Allele frequency attached by ClinVar (database versions not stated): gnomAD 0.00001 and 0.00002; gnomAD exomes 0.00002 and 0.00015; TOPMed 0.00005; ExAC 0.00012; 1000 Genomes Project 30x 0.00016; 1000 Genomes Project 0.00020.
gnomAD v4.1: 26 of 1,613,580 alleles (0.0016%); highest among the groups gnomAD compares: East Asian, 0.056%; no homozygotes.

Submissions (3):

Labcorp Genetics (formerly Invitae), Labcorp
Classification: Benign for Peroxisome biogenesis disorder 2B. Last evaluated: 2025-11-01. Review status: criteria provided, single submitter. Criteria: Invitae Variant Classification Sherloc (09022015). Collection method: clinical testing. Allele origin: germline.

Blueprint Genetics
Classification: Likely benign. Last evaluated: 2023-01-20. Review status: criteria provided, single submitter. Criteria: ACMG Guidelines, 2015. Collection method: clinical testing. Allele origin: germline.

PreventionGenetics, part of Exact Sciences
Classification: Likely benign for PEX5-related condition. Last evaluated: 2019-10-22. Review status: no assertion criteria provided. Collection method: clinical testing. Allele origin: germline. Not counted in ClinVar's aggregate classification.
Comment: This variant is classified as likely benign based on ACMG/AMP sequence variant interpretation guidelines (Richards et al. 2015 PMID: 25741868, with internal and published modifications).